The following is an entry in ClinVar:

ClinVar aggregate classification (germline): Uncertain significance (1 of 4 stars; one submission).

Conditions:
X-linked distal spinal muscular atrophy type 3. Also called: SPINAL MUSCULAR ATROPHY, DISTAL, X-LINKED RECESSIVE; NEURONOPATHY, DISTAL HEREDITARY MOTOR, X-LINKED; NEUROPATHY, DISTAL HEREDITARY MOTOR, X-LINKED; ATP7A-Related Distal Motor Neuropathy. Identifiers: Orphanet 139557, MedGen C1845359, MONDO:0010338, OMIM 300489.
Menkes kinky-hair syndrome (MNK). Also called: Copper transport disease; Classic Menkes Disease; Menkes Disease. Identifiers: Orphanet 565, MedGen C0022716, MONDO:0010651, OMIM 309400.
Cutis laxa, X-linked (OHS). Also called: EDS IX; Occipital horn syndrome. Identifiers: Orphanet 198, MedGen C0268353, MONDO:0010572, OMIM 304150.

Allele frequency attached by ClinVar (database versions not stated): gnomAD exomes 0.00001.
gnomAD v4.1: 4 of 1,211,339 alleles (0.00033%); highest among the groups gnomAD compares: Non-Finnish European, 0.00045%; no homozygotes.

Submission:

Labcorp Genetics (formerly Invitae), Labcorp
Classification: Uncertain significance for X-linked distal spinal muscular atrophy type 3; Cutis laxa, X-linked; Menkes kinky-hair syndrome. Last evaluated: 2022-08-19. Review status: criteria provided, single submitter. Criteria: Invitae Variant Classification Sherloc (09022015). Collection method: clinical testing. Allele origin: germline.
Comment: Algorithms developed to predict the effect of missense changes on protein structure and function are either unavailable or do not agree on the potential impact of this missense change (SIFT: "Tolerated"; PolyPhen-2: "Probably Damaging"; Align-GVGD: "Class C0"). This variant has not been reported in the literature in individuals affected with ATP7A-related conditions. This variant is not present in population databases (gnomAD no frequency). This sequence change replaces glycine, which is neutral and non-polar, with alanine, which is neutral and non-polar, at codon 1439 of the ATP7A protein (p.Gly1439Ala). In summary, the available evidence is currently insufficient to determine the role of this variant in disease. Therefore, it has been classified as a Variant of Uncertain Significance.

NM_000052.7(ATP7A):c.4316G>C (p.Gly1439Ala)

Gene: ATP7A (ATPase copper transporting alpha; plus strand). Cytogenetic location: Xq21.1.
Variant type: single nucleotide variant.
Coding change: c.4316G>C on transcript NM_000052.7 (MANE Select); coding-DNA position 4316, G replaced by C.
Protein change: p.Gly1439Ala; replaces glycine 1439 with alanine.
Molecular consequence: missense variant. On other transcripts: non-coding transcript variant (1).
Genome position (GRCh38, 1-based): chrX:78,046,383, G>C. VCF-style: chrX-78046383-G-C. GRCh37 (hg19) VCF-style: chrX-77301880-G-C.
Other names: c.4082G>C, p.Gly1361Ala (NM_001282224.2); short protein forms G1361A, G1439A.
Identifiers: ClinVar variation 1716728 (VCV001716728.6), dbSNP rs2522427557, ClinGen allele CA413606159.